The following is an entry in ClinVar:

NM_016239.4(MYO15A):c.3217G>A (p.Ala1073Thr)

Gene: MYO15A (myosin XVA; plus strand). Cytogenetic location: 17p11.2.
Variant type: single nucleotide variant.
Coding change: c.3217G>A on transcript NM_016239.4 (MANE Select); coding-DNA position 3217, G replaced by A.
Protein change: p.Ala1073Thr; replaces alanine 1073 with threonine.
Molecular consequence: missense variant.
Genome position (GRCh38, 1-based): chr17:18,122,017, G>A. VCF-style: chr17-18122017-G-A. GRCh37 (hg19) VCF-style: chr17-18025331-G-A.
Other names: short protein forms A1073T.
Identifiers: ClinVar variation 666872 (VCV000666872.4), dbSNP rs1597758153, ClinGen allele CA398586947.
Genomic context (GRCh38, chr17:18,122,017, plus strand): 5'-GAGCAAAAGACATTAAGGCCCAGCCTCTCATACCCACTGGCTGCGTGTGACCAGACCAGG[G>A]CCACATGGCCACCATGGCACCGCTGGGGAACACTGCCCCAAGCCGCAGCCCCCTTGGCGC-3'
Protein context (NP_057323.3, residues 1063-1083): YPLAACDQTR[Ala1073Thr]TWPPWHRWGT

ClinVar aggregate classification (germline): Uncertain significance (1 of 4 stars; one submission).

Submission:

Laboratory for Molecular Medicine, Mass General Brigham Personalized Medicine
Classification: Uncertain significance. Last evaluated: 2018-10-10. Review status: criteria provided, single submitter. Criteria: LMM Criteria. Collection method: clinical testing. Allele origin: germline. Observed: 1 variant allele.
Comment: The p.Ala1073Thr variant in MYO15A has not been previously reported in individua ls with hearing loss and was absent from large population studies. Computational prediction tools and conservation analysis suggest that this variant may not im pact the protein, though this information is not predictive enough to rule out p athogenicity. In summary, the clinical significance of this variant is uncertain . ACMG/AMP Criteria applied: PM2, BP4.